The following is an entry in ClinVar:

ClinVar aggregate classification (germline): Pathogenic/Likely pathogenic. Review status: criteria provided, multiple submitters, no conflicts (2 of 4 stars). 2 submissions from 2 submitters: Pathogenic (1); Likely pathogenic (1). Last evaluated 2023-05-08.

Conditions:
Duchenne muscular dystrophy (DMD). Also called: MUSCULAR DYSTROPHY, PSEUDOHYPERTROPHIC PROGRESSIVE, DUCHENNE TYPE; Duchenne Muscular Dystrophy (DMD). Identifiers: Orphanet 98896, MedGen C0013264, MONDO:0010679, OMIM 310200.

Submissions (2):

Revvity Omics, Revvity
Classification: Likely pathogenic. Last evaluated: 2023-05-08. Review status: criteria provided, single submitter. Criteria: ACMG Guidelines, 2015. Collection method: clinical testing. Allele origin: germline.

Labcorp Genetics (formerly Invitae), Labcorp
Classification: Pathogenic for Duchenne muscular dystrophy. Last evaluated: 2022-03-11. Review status: criteria provided, single submitter. Criteria: Invitae Variant Classification Sherloc (09022015). Collection method: clinical testing. Allele origin: germline.
Comment: For these reasons, this variant has been classified as Pathogenic. This variant has not been reported in the literature in individuals affected with DMD-related conditions. This variant is not present in population databases (gnomAD no frequency). This sequence change creates a premature translational stop signal (p.Pro3296Alafs*19) in the DMD gene. It is expected to result in an absent or disrupted protein product. Loss-of-function variants in DMD are known to be pathogenic (PMID: 16770791, 25007885).

Literature cited by the submitters: PubMed 16770791 (cited by Labcorp Genetics (formerly Invitae), Labcorp); PubMed 25007885 (cited by Labcorp Genetics (formerly Invitae), Labcorp).

NM_004006.3(DMD):c.9884dup (p.Pro3296fs)

Gene: DMD (dystrophin; minus strand). Cytogenetic location: Xp21.2.
Variant type: Duplication.
Coding change: c.9884dup on transcript NM_004006.3 (MANE Select); coding-DNA position 9884, one base duplicated (T; older notation c.9884dupT).
Protein change: p.Pro3296fs; shifts the reading frame from proline 3296.
Molecular consequence: frameshift variant.
Genome position (GRCh38, 1-based): chrX:31,182,828, A duplicated on the plus strand (T on the coding strand, the reverse complement: DMD is on the minus strand). VCF-style (leftmost placement, unchanged base first): chrX-31182827-C-CA. GRCh37 (hg19) VCF-style: chrX-31200944-C-CA.
Other names: c.9860dup, p.Pro3288fs (NM_000109.4); c.9872dup, p.Pro3292fs (NM_004009.3); c.9515dup, p.Pro3173fs (NM_004010.3); c.5861dup, p.Pro1955fs (NM_004011.4); c.5852dup, p.Pro1952fs (NM_004012.4); c.2504dup, p.Pro836fs (NM_004013.3, NM_004020.4, NM_004021.3 and 2 more transcripts); c.1697dup, p.Pro567fs (NM_004014.3); c.680dup, p.Pro228fs (NM_004015.3, NM_004016.3, NM_004017.3 and 2 more transcripts); short protein forms P1955fs, P228fs, P3173fs, P3292fs, P1952fs, P567fs, P836fs, P3288fs.
Identifiers: ClinVar variation 2108727 (VCV002108727.6), dbSNP rs2520023450, ClinGen allele CA2580100580.